The following is an entry in ClinVar:

NM_000379.4(XDH):c.3263G>A (p.Gly1088Glu)

Gene: XDH (xanthine dehydrogenase; minus strand). Cytogenetic location: 2p23.1.
Variant type: single nucleotide variant.
Coding change: c.3263G>A on transcript NM_000379.4 (MANE Select); coding-DNA position 3263, G replaced by A.
Protein change: p.Gly1088Glu; replaces glycine 1088 with glutamic acid.
Molecular consequence: missense variant.
Genome position (GRCh38, 1-based): chr2:31,347,535, C>T on the plus strand (G>A on the coding strand, the complement: XDH is on the minus strand). VCF-style: chr2-31347535-C-T. GRCh37 (hg19) VCF-style: chr2-31570401-C-T.
Other names: c.3263G>A (NM_000379.3); short protein forms G1088E.
Identifiers: ClinVar variation 1415258 (VCV001415258.8), dbSNP rs201855759, ClinGen allele CA1598485.

ClinVar aggregate classification (germline): Uncertain significance. Review status: criteria provided, multiple submitters, no conflicts (2 of 4 stars). 3 submissions from 3 submitters: Uncertain significance (3). Last evaluated 2026-08-19.

Conditions:
Hereditary xanthinuria type 1 (XAN1). Identifiers: Orphanet 3467, Orphanet 93601, MedGen C0268118, MONDO:0010209, OMIM 278300.
XDH-related disorder. Also called: XDH-related condition.
Xanthinuria type II. Also called: Xanthine dehydrogenase and aldehyde oxidase combined deficiency of; XDH and AOX dual deficiency. Identifiers: Orphanet 3467, Orphanet 93602, MedGen C1863688, MONDO:0011346, OMIM 603592.

Allele frequency attached by ClinVar (database versions not stated): gnomAD 0.00004 and 0.00003.
gnomAD v4.1: 130 of 1,613,878 alleles (0.0081%); highest among the groups gnomAD compares: Middle Eastern, 0.18%; 1 homozygote.

Submissions (3):

PreventionGenetics, part of Exact Sciences
Classification: Uncertain significance for XDH-related condition. Last evaluated: 2026-08-19. Review status: criteria provided, single submitter. Criteria: ACMG Guidelines, 2015. Collection method: clinical testing. Allele origin: germline.
Comment: The XDH c.3263G>A variant is predicted to result in the amino acid substitution p.Gly1088Glu. To our knowledge, this variant has not been reported in the literature. This variant is reported in 0.0079% of alleles in individuals of European (non-Finnish) descent in gnomAD. At this time, the clinical significance of this variant is uncertain due to the absence of conclusive functional and genetic evidence.

Labcorp Genetics (formerly Invitae), Labcorp
Classification: Uncertain significance for Xanthinuria type II. Last evaluated: 2025-12-01. Review status: criteria provided, single submitter. Criteria: Invitae Variant Classification Sherloc (09022015). Collection method: clinical testing. Allele origin: germline.
Comment: This sequence change replaces glycine, which is neutral and non-polar, with glutamic acid, which is acidic and polar, at codon 1088 of the XDH protein (p.Gly1088Glu). This variant is present in population databases (rs201855759, gnomAD 0.009%). This variant has not been reported in the literature in individuals affected with XDH-related conditions. ClinVar contains an entry for this variant (Variation ID: 1415258). An algorithm developed to predict the effect of missense changes on protein structure and function (PolyPhen-2) suggests that this variant is likely to be disruptive. In summary, the available evidence is currently insufficient to determine the role of this variant in disease. Therefore, it has been classified as a Variant of Uncertain Significance.

Fulgent Genetics
Classification: Uncertain significance for Hereditary xanthinuria type 1. Last evaluated: 2021-11-29. Review status: criteria provided, single submitter. Criteria: ACMG Guidelines, 2015. Collection method: clinical testing. Allele origin: unknown.